The following is an entry in ClinVar:

NM_024494.3(WNT2B):c.176C>G (p.Ser59Cys)

Genes: WNT2B (Wnt family member 2B; plus strand), LOC122094899 (Sharpr-MPRA regulatory region 8072; plus strand). Cytogenetic location: 1p13.2.
Variant type: single nucleotide variant.
Coding change: c.176C>G on transcript NM_024494.3 (MANE Select); coding-DNA position 176, C replaced by G.
Protein change: p.Ser59Cys; replaces serine 59 with cysteine.
Molecular consequence: missense variant. On other transcripts: intron variant (2).
Genome position (GRCh38, 1-based): chr1:112,509,438, C>G. VCF-style: chr1-112509438-C-G. GRCh37 (hg19) VCF-style: chr1-113052060-C-G.
Other names: c.126-5436C>G (NM_004185.4); c.-94-5436C>G (NM_001291880.1); short protein forms S59C.
Identifiers: ClinVar variation 2062623 (VCV002062623.5), dbSNP rs1446764831, ClinGen allele CA341651633.

ClinVar aggregate classification (germline): Uncertain significance. Review status: criteria provided, multiple submitters, no conflicts (2 of 4 stars). 2 submissions from 2 submitters: Uncertain significance (2). Last evaluated 2022-05-04.

Allele frequency attached by ClinVar (database versions not stated): gnomAD exomes below 0.00001; gnomAD 0.00001; TOPMed 0.00002.

Submissions (2):

Labcorp Genetics (formerly Invitae), Labcorp
Classification: Uncertain significance. Last evaluated: 2022-05-04. Review status: criteria provided, single submitter. Criteria: Invitae Variant Classification Sherloc (09022015). Collection method: clinical testing. Allele origin: germline.
Comment: This sequence change replaces serine, which is neutral and polar, with cysteine, which is neutral and slightly polar, at codon 59 of the WNT2B protein (p.Ser59Cys). This variant is present in population databases (no rsID available, gnomAD 0.007%). This variant has not been reported in the literature in individuals affected with WNT2B-related conditions. Algorithms developed to predict the effect of missense changes on protein structure and function are either unavailable or do not agree on the potential impact of this missense change (SIFT: "Deleterious"; PolyPhen-2: "Probably Damaging"; Align-GVGD: "Class C0"). In summary, the available evidence is currently insufficient to determine the role of this variant in disease. Therefore, it has been classified as a Variant of Uncertain Significance.

Ambry Genetics
Classification: Uncertain significance. Last evaluated: 2021-08-02. Review status: criteria provided, single submitter. Criteria: Ambry Variant Classification Scheme 2023. Collection method: clinical testing. Allele origin: germline.